The following is an entry in ClinVar:

ClinVar aggregate classification (germline): Uncertain significance. Review status: criteria provided, multiple submitters, no conflicts (2 of 4 stars). 2 submissions from 2 submitters: Uncertain significance (2). Last evaluated 2025-06-12.

Allele frequency attached by ClinVar (database versions not stated): TOPMed 0.00008; gnomAD 0.00009; gnomAD exomes 0.00001; ExAC 0.00001.
gnomAD v4.1: 35 of 1,613,112 alleles (0.0022%); highest among the groups gnomAD compares: African/African-American, 0.031%; no homozygotes.

Submissions (2):

Labcorp Genetics (formerly Invitae), Labcorp
Classification: Uncertain significance. Last evaluated: 2025-06-12. Review status: criteria provided, single submitter. Criteria: Invitae Variant Classification Sherloc (09022015). Collection method: clinical testing. Allele origin: germline.
Comment: This sequence change replaces glycine, which is neutral and non-polar, with glutamic acid, which is acidic and polar, at codon 693 of the TNS2 protein (p.Gly693Glu). This variant is present in population databases (rs776103542, gnomAD 0.01%). This variant has not been reported in the literature in individuals affected with TNS2-related conditions. ClinVar contains an entry for this variant (Variation ID: 2908822). An algorithm developed to predict the effect of missense changes on protein structure and function (PolyPhen-2) suggests that this variant is likely to be disruptive. In summary, the available evidence is currently insufficient to determine the role of this variant in disease. Therefore, it has been classified as a Variant of Uncertain Significance.

Ambry Genetics
Classification: Uncertain significance. Last evaluated: 2023-12-21. Review status: criteria provided, single submitter. Criteria: Ambry Variant Classification Scheme 2023. Collection method: clinical testing. Allele origin: germline.

NM_170754.4(TNS2):c.2048G>A (p.Gly683Glu)

Gene: TNS2 (tensin 2; plus strand). Cytogenetic location: 12q13.13.
Variant type: single nucleotide variant.
Coding change: c.2048G>A on transcript NM_170754.4 (MANE Select); coding-DNA position 2048, G replaced by A.
Protein change: p.Gly683Glu; replaces glycine 683 with glutamic acid.
Molecular consequence: missense variant.
Genome position (GRCh38, 1-based): chr12:53,059,689, G>A. VCF-style: chr12-53059689-G-A. GRCh37 (hg19) VCF-style: chr12-53453473-G-A.
Other names: c.2078G>A (NM_015319.2); c.2048G>A, p.Gly683Glu (NM_001416202.1); c.2006G>A, p.Gly669Glu (NM_001416203.1); c.2075G>A, p.Gly692Glu (NM_001416204.1); c.1979G>A, p.Gly660Glu (NM_015319.3); c.1676G>A, p.Gly559Glu (NM_198316.2); short protein forms G559E, G669E, G683E, G660E, G692E.
Identifiers: ClinVar variation 2908822 (VCV002908822.4), dbSNP rs776103542, ClinGen allele CA6592519.